The following is an entry in ClinVar:

NM_001253697.2(ERBIN):c.1532A>G (p.Asn511Ser)

Gene: ERBIN (erbb2 interacting protein; plus strand). Cytogenetic location: 5q12.3.
Variant type: single nucleotide variant.
Coding change: c.1532A>G on transcript NM_001253697.2 (MANE Select); coding-DNA position 1532, A replaced by G.
Protein change: p.Asn511Ser; replaces asparagine 511 with serine.
Molecular consequence: missense variant.
Genome position (GRCh38, 1-based): chr5:66,044,240, A>G. VCF-style: chr5-66044240-A-G. GRCh37 (hg19) VCF-style: chr5-65340068-A-G.
Other names: c.1532A>G, p.Asn511Ser (NM_001006600.3, NM_001253698.2, NM_001253699.2 and 2 more transcripts); short protein forms N511S.
Identifiers: ClinVar variation 4693807 (VCV004693807.1).

ClinVar aggregate classification (germline): Uncertain significance (1 of 4 stars; one submission).

gnomAD v4.1: 46 of 1,612,438 alleles (0.0029%); highest among the groups gnomAD compares: African/African-American, 0.015%; no homozygotes.

Submission:

Labcorp Genetics (formerly Invitae), Labcorp
Classification: Uncertain significance. Last evaluated: 2025-11-18. Review status: criteria provided, single submitter. Criteria: Invitae Variant Classification Sherloc (09022015). Collection method: clinical testing. Allele origin: germline.
Comment: This sequence change replaces asparagine, which is neutral and polar, with serine, which is neutral and polar, at codon 511 of the ERBIN protein (p.Asn511Ser). This variant is present in population databases (rs139446586, gnomAD 0.02%). This variant has not been reported in the literature in individuals affected with ERBIN-related conditions. An algorithm developed to predict the effect of missense changes on protein structure and function outputs the following: PolyPhen-2: "Benign". The serine amino acid residue is found in multiple mammalian species, which suggests that this missense change does not adversely affect protein function. In summary, the available evidence is currently insufficient to determine the role of this variant in disease. Therefore, it has been classified as a Variant of Uncertain Significance.